The following is an entry in ClinVar:

NM_176787.5(PIGN):c.886G>A (p.Val296Ile)

Gene: PIGN (phosphatidylinositol glycan anchor biosynthesis class N; minus strand). Cytogenetic location: 18q21.33.
Variant type: single nucleotide variant.
Coding change: c.886G>A on transcript NM_176787.5 (MANE Select); coding-DNA position 886, G replaced by A.
Protein change: p.Val296Ile; replaces valine 296 with isoleucine.
Molecular consequence: missense variant.
Genome position (GRCh38, 1-based): chr18:62,145,945, C>T on the plus strand (G>A on the coding strand, the complement: PIGN is on the minus strand). VCF-style: chr18-62145945-C-T. GRCh37 (hg19) VCF-style: chr18-59813178-C-T.
Other names: c.886G>A, p.Val296Ile (NM_012327.6); short protein forms V296I.
Identifiers: ClinVar variation 1046981 (VCV001046981.9), dbSNP rs896407938, ClinGen allele CA301684103.

ClinVar aggregate classification (germline): Uncertain significance (1 of 4 stars; one submission).

Conditions:
Multiple congenital anomalies-hypotonia-seizures syndrome 1 (MCAHS1). Also called: PIGN-CDG; Congenital disorder of glycosylation due to PIGN deficiency; GLYCOSYLPHOSPHATIDYLINOSITOL BIOSYNTHESIS DEFECT 3. Identifiers: Orphanet 280633, MedGen C3279775, MONDO:0013563, OMIM 614080.

Allele frequency attached by ClinVar (database versions not stated): gnomAD exomes below 0.00001.
gnomAD v4.1: 1 of 1,606,380 alleles (0.000062%); no homozygotes.

Submission:

Labcorp Genetics (formerly Invitae), Labcorp
Classification: Uncertain significance for Multiple congenital anomalies-hypotonia-seizures syndrome 1. Last evaluated: 2020-01-21. Review status: criteria provided, single submitter. Criteria: Invitae Variant Classification Sherloc (09022015). Collection method: clinical testing. Allele origin: germline.
Comment: This variant is not present in population databases (ExAC no frequency). In summary, the available evidence is currently insufficient to determine the role of this variant in disease. Therefore, it has been classified as a Variant of Uncertain Significance. Algorithms developed to predict the effect of missense changes on protein structure and function (SIFT, PolyPhen-2, Align-GVGD) all suggest that this variant is likely to be tolerated, but these predictions have not been confirmed by published functional studies and their clinical significance is uncertain. This variant has not been reported in the literature in individuals with PIGN-related conditions. This sequence change replaces valine with isoleucine at codon 296 of the PIGN protein (p.Val296Ile). The valine residue is moderately conserved and there is a small physicochemical difference between valine and isoleucine.